The following is an entry in ClinVar:

ClinVar aggregate classification (germline): Uncertain significance (1 of 4 stars; one submission).

gnomAD v4.1: 3 of 1,571,484 alleles (0.00019%); highest among the groups gnomAD compares: Non-Finnish European, 0.00026%; no homozygotes.

Submission:

Ambry Genetics
Classification: Uncertain significance. Last evaluated: 2025-11-22. Review status: criteria provided, single submitter. Criteria: Ambry Variant Classification Scheme 2023. Collection method: clinical testing. Allele origin: germline.
Comment: The p.K563R variant (also known as c.1688A>G), located in coding exon 7 of the WNK2 gene, results from an A to G substitution at nucleotide position 1688. The lysine at codon 563 is replaced by arginine, an amino acid with highly similar properties. This amino acid position is conserved. In addition, this alteration is predicted to be tolerated by in silico analysis. Based on the available evidence, the clinical significance of this variant remains unclear.

NM_006648.4(WNK2):c.1688A>G (p.Lys563Arg)

Gene: WNK2 (WNK lysine deficient protein kinase 2; plus strand). Cytogenetic location: 9q22.31.
Variant type: single nucleotide variant.
Coding change: c.1688A>G on transcript NM_006648.4 (MANE Select); coding-DNA position 1688, A replaced by G.
Protein change: p.Lys563Arg; replaces lysine 563 with arginine.
Molecular consequence: missense variant.
Genome position (GRCh38, 1-based): chr9:93,247,688, A>G. VCF-style: chr9-93247688-A-G. GRCh37 (hg19) VCF-style: chr9-96009970-A-G.
Other names: c.1688A>G, p.Lys563Arg (NM_001282394.3); short protein forms K563R.
Identifiers: ClinVar variation 4605379 (VCV004605379.1).